The following is an entry in ClinVar:

ClinVar aggregate classification (germline): Benign/Likely benign. Review status: criteria provided, multiple submitters, no conflicts (2 of 4 stars). 3 submissions from 3 submitters: Benign (1); Likely benign (2). Last evaluated 2025-11-20.

Conditions:
Hereditary cancer-predisposing syndrome. Also called: Hereditary neoplastic syndrome; Hereditary Cancer Syndrome; Tumor predisposition; Neoplastic Syndromes, Hereditary. Identifiers: Orphanet 140162, MedGen C0027672, MeSH D009386, MONDO:0015356.
Oligodontia-cancer predisposition syndrome. Also called: TOOTH AGENESIS-COLORECTAL CANCER SYNDROME. Identifiers: Orphanet 300576, MedGen C1837750, MONDO:0012075, OMIM 608615. Disease mechanism: loss of function.

Allele frequency attached by ClinVar (database versions not stated): gnomAD exomes below 0.00001; TOPMed below 0.00001; gnomAD 0.00001.
gnomAD v4.1: 1 of 1,613,892 alleles (0.000062%); highest among the groups gnomAD compares: Non-Finnish European, 0.000085%; no homozygotes.

Submissions (3):

Labcorp Genetics (formerly Invitae), Labcorp
Classification: Likely benign for Oligodontia-cancer predisposition syndrome. Last evaluated: 2025-11-20. Review status: criteria provided, single submitter. Criteria: Invitae Variant Classification Sherloc (09022015). Collection method: clinical testing. Allele origin: germline.

Myriad Genetics, Inc.
Classification: Benign for Oligodontia-cancer predisposition syndrome. Last evaluated: 2024-07-10. Review status: criteria provided, single submitter. Criteria: Myriad Autosomal Dominant, Autosomal Recessive and X-Linked Classification Criteria (2023). Collection method: clinical testing. Allele origin: unknown.
Comment: This variant is considered benign. This variant is a silent/synonymous amino acid change and it is not expected to impact splicing.

Ambry Genetics
Classification: Likely benign for Hereditary cancer-predisposing syndrome. Last evaluated: 2019-10-25. Review status: criteria provided, single submitter. Criteria: Ambry Variant Classification Scheme 2023. Collection method: clinical testing. Allele origin: germline.

NM_004655.4(AXIN2):c.2397A>G (p.Gly799=)

Gene: AXIN2 (axin 2; minus strand). Cytogenetic location: 17q24.1.
Variant type: single nucleotide variant.
Coding change: c.2397A>G on transcript NM_004655.4 (MANE Select); coding-DNA position 2397, A replaced by G.
Protein change: p.Gly799=; no amino-acid change (glycine 799 retained).
Molecular consequence: synonymous variant.
Genome position (GRCh38, 1-based): chr17:65,533,920, T>C on the plus strand (A>G on the coding strand, the complement: AXIN2 is on the minus strand). VCF-style: chr17-65533920-T-C. GRCh37 (hg19) VCF-style: chr17-63530038-T-C.
Other names: c.2202A>G, p.Gly734= (NM_001363813.1).
Identifiers: ClinVar variation 1155567 (VCV001155567.12), dbSNP rs1037067658, ClinGen allele CA293093098.